The following is an entry in ClinVar:

ClinVar aggregate classification (germline): Uncertain significance (1 of 4 stars; one submission).

Submission:

GeneDx
Classification: Uncertain significance. Last evaluated: 2025-05-22. Review status: criteria provided, single submitter. Criteria: GeneDx Variant Classification Process June 2021. Collection method: clinical testing. Allele origin: germline. Affected: yes.
Comment: Not observed at significant frequency in large population cohorts (gnomAD); In silico analysis suggests this variant may impact gene splicing. In the absence of RNA/functional studies, the actual effect of this sequence change is unknown.; Has not been previously published as pathogenic or benign to our knowledge

NM_003482.4(KMT2D):c.10508-5C>G

Gene: KMT2D (lysine methyltransferase 2D; minus strand). Cytogenetic location: 12q13.12.
Variant type: single nucleotide variant.
Coding change: c.10508-5C>G on transcript NM_003482.4 (MANE Select); 5 bases into the intron before coding-DNA position 10508, C replaced by G.
Molecular consequence: intron variant.
Genome position (GRCh38, 1-based): chr12:49,034,304, G>C on the plus strand (C>G on the coding strand, the complement: KMT2D is on the minus strand). VCF-style: chr12-49034304-G-C. GRCh37 (hg19) VCF-style: chr12-49428087-G-C.
Identifiers: ClinVar variation 4530743 (VCV004530743.1).